The following is an entry in ClinVar:

ClinVar aggregate classification (germline): Uncertain significance (1 of 4 stars; one submission).

Conditions:
Fanconi anemia (FA). Also called: Fanconi's anemia. Identifiers: Orphanet 84, MedGen C0015625, MeSH D005199, MONDO:0019391.

Allele frequency attached by ClinVar (database versions not stated): gnomAD exomes 0.00001 and 0.00002; TOPMed 0.00001; ExAC 0.00002.
gnomAD v4.1: 8 of 1,614,208 alleles (0.0005%); highest among the groups gnomAD compares: East Asian, 0.011%; no homozygotes.

Submission:

Labcorp Genetics (formerly Invitae), Labcorp
Classification: Uncertain significance for Fanconi anemia. Last evaluated: 2025-11-11. Review status: criteria provided, single submitter. Criteria: Invitae Variant Classification Sherloc (09022015). Collection method: clinical testing. Allele origin: germline.
Comment: This sequence change replaces aspartic acid, which is acidic and polar, with asparagine, which is neutral and polar, at codon 285 of the SLX4 protein (p.Asp285Asn). This variant is present in population databases (rs749002564, gnomAD 0.03%). This variant has not been reported in the literature in individuals affected with SLX4-related conditions. ClinVar contains an entry for this variant (Variation ID: 644713). An algorithm developed to predict the effect of missense changes on protein structure and function outputs the following: PolyPhen-2: "Benign". The asparagine amino acid residue is found in multiple mammalian species, which suggests that this missense change does not adversely affect protein function. In summary, the available evidence is currently insufficient to determine the role of this variant in disease. Therefore, it has been classified as a Variant of Uncertain Significance.

NM_032444.4(SLX4):c.853G>A (p.Asp285Asn)

Gene: SLX4 (SLX4 structure-specific endonuclease subunit; minus strand). Cytogenetic location: 16p13.3.
Variant type: single nucleotide variant.
Coding change: c.853G>A on transcript NM_032444.4 (MANE Select); coding-DNA position 853, G replaced by A.
Protein change: p.Asp285Asn; replaces aspartic acid 285 with asparagine.
Molecular consequence: missense variant.
Genome position (GRCh38, 1-based): chr16:3,602,215, C>T on the plus strand (G>A on the coding strand, the complement: SLX4 is on the minus strand). VCF-style: chr16-3602215-C-T. GRCh37 (hg19) VCF-style: chr16-3652216-C-T.
Other names: c.853G>A (LRG_503t1); short protein forms D285N.
Identifiers: ClinVar variation 644713 (VCV000644713.8), dbSNP rs749002564, ClinGen allele CA7866723.